The following is an entry in ClinVar:

ClinVar aggregate classification (germline): Pathogenic (1 of 4 stars; one submission).

Submission:

Labcorp Genetics (formerly Invitae), Labcorp
Classification: Pathogenic. Last evaluated: 2018-02-06. Review status: criteria provided, single submitter. Criteria: Invitae Variant Classification Sherloc (09022015). Collection method: clinical testing. Allele origin: germline.
Comment: For these reasons, this variant has been classified as Pathogenic. Loss-of-function variants in FH are known to be pathogenic (PMID: 11865300, 21398687). This variant has not been reported in the literature in individuals with FH-related disease. ClinVar contains an entry for this variant (Variation ID: 405928). This variant is not present in population databases (ExAC no frequency). This sequence change creates a premature translational stop signal (p.Lys371Argfs*2) in the FH gene. It is expected to result in an absent or disrupted protein product.

Literature cited by the submitters: PubMed 11865300; PubMed 21398687.

NM_000143.4(FH):c.1112del (p.Lys371fs)

Gene: FH (fumarate hydratase; minus strand). Cytogenetic location: 1q43.
Variant type: Deletion.
Coding change: c.1112del on transcript NM_000143.4 (MANE Select); coding-DNA position 1112, one base deleted (A; older notation c.1112delA).
Protein change: p.Lys371fs; shifts the reading frame from lysine 371.
Molecular consequence: frameshift variant.
Genome position (GRCh38, 1-based): chr1:241,502,567, T deleted on the plus strand (A on the coding strand, the reverse complement: FH is on the minus strand); the first of 2 consecutive T bases (chr1:241,502,567-241,502,568); deleting either gives the same sequence. VCF-style (leftmost placement, unchanged base first): chr1-241502566-CT-C. GRCh37 (hg19) VCF-style: chr1-241665866-CT-C.
Other names: c.1112delA (NM_000143.3); short protein forms K371fs.
Identifiers: ClinVar variation 405928 (VCV000405928.9), dbSNP rs1060500904, ClinGen allele CA16610045.